The following is an entry in ClinVar:

NM_016938.5(EFEMP2):c.491-5C>G

Gene: EFEMP2 (EGF-like fibulin extracellular matrix protein 2; minus strand). Cytogenetic location: 11q13.1.
Variant type: single nucleotide variant.
Coding change: c.491-5C>G on transcript NM_016938.5 (MANE Select); 5 bases into the intron before coding-DNA position 491, C replaced by G.
Molecular consequence: intron variant.
Genome position (GRCh38, 1-based): chr11:65,870,242, G>C on the plus strand (C>G on the coding strand, the complement: EFEMP2 is on the minus strand). VCF-style: chr11-65870242-G-C. GRCh37 (hg19) VCF-style: chr11-65637713-G-C.
Identifiers: ClinVar variation 855675 (VCV000855675.2), dbSNP rs749980581, ClinGen allele CA916083249.

ClinVar aggregate classification (germline): Uncertain significance. Review status: criteria provided, multiple submitters, no conflicts (2 of 4 stars). 2 submissions from 2 submitters: Uncertain significance (2). Last evaluated 2026-02-10.

Conditions:
Cutis laxa, autosomal recessive, type 1B (ARCL1B). Also called: CUTIS LAXA, AUTOSOMAL RECESSIVE, TYPE IB; EFEMP2-Related Cutis Laxa. Identifiers: Orphanet 90349, MedGen C3280798, MONDO:0013754, OMIM 614437. Disease mechanism: loss of function.
Cardiovascular phenotype. Identifiers: MedGen CN230736.

Submissions (2):

Ambry Genetics
Classification: Uncertain significance for Cardiovascular phenotype. Last evaluated: 2026-02-10. Review status: criteria provided, single submitter. Criteria: Ambry Variant Classification Scheme 2023. Collection method: clinical testing. Allele origin: germline.
Comment: The c.491-5C>G intronic variant results from a C to G substitution 5 nucleotides upstream from coding exon 5 in the EFEMP2 gene. This nucleotide position is not well conserved in available vertebrate species. In silico splice site analysis predicts that this alteration will not have any significant effect on splicing. Based on the available evidence, the clinical significance of this variant remains unclear.

Labcorp Genetics (formerly Invitae), Labcorp
Classification: Uncertain significance for Autosomal recessive cutis laxa type 1B. Last evaluated: 2019-04-05. Review status: criteria provided, single submitter. Criteria: Invitae Variant Classification Sherloc (09022015). Collection method: clinical testing. Allele origin: germline.
Comment: This sequence change falls in intron 5 of the EFEMP2 gene. It does not directly change the encoded amino acid sequence of the EFEMP2 protein. This variant is not present in population databases (ExAC no frequency). This variant has not been reported in the literature in individuals with EFEMP2-related conditions. Algorithms developed to predict the effect of sequence changes on RNA splicing suggest that this variant may disrupt the consensus splice site, but this prediction has not been confirmed by published transcriptional studies. In summary, the available evidence is currently insufficient to determine the role of this variant in disease. Therefore, it has been classified as a Variant of Uncertain Significance.